The following is an entry in ClinVar:

NM_181872.6(DMRT2):c.486G>T (p.Met162Ile)

Gene: DMRT2 (doublesex and mab-3 related transcription factor 2; plus strand). Cytogenetic location: 9p24.3.
Variant type: single nucleotide variant.
Coding change: c.486G>T on transcript NM_181872.6 (MANE Select); coding-DNA position 486, G replaced by T.
Protein change: p.Met162Ile; replaces methionine 162 with isoleucine.
Molecular consequence: missense variant. On other transcripts: 5 prime UTR variant (1), non-coding transcript variant (1).
Genome position (GRCh38, 1-based): chr9:1,052,099, G>T. VCF-style: chr9-1052099-G-T. GRCh37 (hg19) VCF-style: chr9-1052099-G-T.
Other names: c.486G>T, p.Met162Ile (NM_001130865.3, NM_001370531.1, NM_001370533.1 and 4 more transcripts); c.-165G>T (NM_001370532.1); short protein forms M162I.
Identifiers: ClinVar variation 1381272 (VCV001381272.6), dbSNP rs1436851487, ClinGen allele CA372773887.

ClinVar aggregate classification (germline): Uncertain significance (1 of 4 stars; one submission).

Allele frequency attached by ClinVar (database versions not stated): gnomAD 0.00001; gnomAD exomes 0.00001 and 0.00006.

Submission:

Labcorp Genetics (formerly Invitae), Labcorp
Classification: Uncertain significance. Last evaluated: 2021-09-15. Review status: criteria provided, single submitter. Criteria: Invitae Variant Classification Sherloc (09022015). Collection method: clinical testing. Allele origin: germline.
Comment: This variant has not been reported in the literature in individuals affected with DMRT2-related conditions. In summary, the available evidence is currently insufficient to determine the role of this variant in disease. Therefore, it has been classified as a Variant of Uncertain Significance. Algorithms developed to predict the effect of missense changes on protein structure and function are either unavailable or do not agree on the potential impact of this missense change (SIFT: "Deleterious"; PolyPhen-2: "Probably Damaging"; Align-GVGD: "Class C0"). The frequency data for this variant in the population databases is considered unreliable, as metrics indicate insufficient coverage at this position in the ExAC database. This sequence change replaces methionine with isoleucine at codon 162 of the DMRT2 protein (p.Met162Ile). The methionine residue is highly conserved and there is a small physicochemical difference between methionine and isoleucine.